The following is an entry in ClinVar:

NM_002528.7(NTHL1):c.164_165del (p.Arg55fs)

Gene: NTHL1 (nth like DNA glycosylase 1; minus strand). Cytogenetic location: 16p13.3.
Variant type: Microsatellite.
Coding change: c.164_165del on transcript NM_002528.7 (MANE Select); coding-DNA positions 164 to 165, 2 bases deleted (GA; older notation c.164_165delGA).
Protein change: p.Arg55fs; shifts the reading frame from arginine 55.
Molecular consequence: frameshift variant. On other transcripts: 5 prime UTR variant (1).
Genome position (GRCh38, 1-based): chr16:2,046,317-2,046,318, TC deleted on the plus strand (GA on the coding strand, the reverse complement: NTHL1 is on the minus strand); deleting any 2 consecutive bases within chr16:2,046,317-2,046,321 gives the same sequence; the c. name uses the placement nearest the transcript's 3' end. VCF-style (leftmost placement, unchanged base first): chr16-2046316-GTC-G. GRCh37 (hg19) VCF-style: chr16-2096317-GTC-G.
Other names: c.164_165del, p.Arg55fs (NM_001318193.2); c.-17GA[1] (NM_001318194.2); short protein forms R55fs.
Identifiers: ClinVar variation 863401 (VCV000863401.13), dbSNP rs1290880136, ClinGen allele CA620704676.

ClinVar aggregate classification (germline): Pathogenic/Likely pathogenic. Review status: criteria provided, multiple submitters, no conflicts (2 of 4 stars). 4 submissions from 4 submitters: Pathogenic (3); Likely pathogenic (1). Last evaluated 2025-09-08.

Conditions:
Familial adenomatous polyposis 3. Also called: NTHL1-related attenuated familial adenomatous polyposis; NTHL1-Related Adenomatous Polyposis and Colorectal Cancer; NTHL1-associated polyposis; NTHL1 Tumor Syndrome. Identifiers: Orphanet 220460, Orphanet 454840, MedGen C4225157, MONDO:0014630, OMIM 616415.
Hereditary cancer-predisposing syndrome. Also called: Neoplastic Syndromes, Hereditary; Hereditary neoplastic syndrome; Tumor predisposition; Hereditary Cancer Syndrome. Identifiers: Orphanet 140162, MedGen C0027672, MeSH D009386, MONDO:0015356.

Submissions (4):

Ambry Genetics
Classification: Pathogenic for Hereditary cancer-predisposing syndrome. Last evaluated: 2025-09-08. Review status: criteria provided, single submitter. Criteria: Ambry Variant Classification Scheme 2023. Collection method: clinical testing. Allele origin: germline.
Comment: The c.188_189delGA pathogenic mutation, located in coding exon 2 of the NTHL1 gene, results from a deletion of two nucleotides at nucleotide positions 188 to 189, causing a translational frameshift with a predicted alternate stop codon (p.R63Tfs*6). This alteration is expected to result in loss of function by premature protein truncation or nonsense-mediated mRNA decay. As such, this alteration is interpreted as a disease-causing mutation.

Labcorp Genetics (formerly Invitae), Labcorp
Classification: Pathogenic. Last evaluated: 2024-12-23. Review status: criteria provided, single submitter. Criteria: Invitae Variant Classification Sherloc (09022015). Collection method: clinical testing. Allele origin: germline.
Comment: This sequence change creates a premature translational stop signal (p.Arg63Thrfs*6) in the NTHL1 gene. It is expected to result in an absent or disrupted protein product. Loss-of-function variants in NTHL1 are known to be pathogenic (PMID: 25938944, 26559593). This variant is present in population databases (no rsID available, gnomAD 0.0009%). This variant has not been reported in the literature in individuals affected with NTHL1-related conditions. For these reasons, this variant has been classified as Pathogenic.

Myriad Genetics, Inc.
Classification: Pathogenic for Familial adenomatous polyposis 3. Last evaluated: 2023-09-01. Review status: criteria provided, single submitter. Criteria: Myriad Autosomal Dominant, Autosomal Recessive and X-Linked Classification Criteria (2023). Collection method: clinical testing. Allele origin: unknown.
Comment: This variant is considered pathogenic. This variant creates a frameshift predicted to result in premature protein truncation.

Baylor Genetics
Classification: Likely pathogenic for Familial adenomatous polyposis 3. Last evaluated: 2022-08-25. Review status: criteria provided, single submitter. Criteria: ACMG Guidelines, 2015. Collection method: clinical testing. Allele origin: unknown.

Literature cited by the submitters: PubMed 25938944 (cited by Labcorp Genetics (formerly Invitae), Labcorp); PubMed 26559593 (cited by Labcorp Genetics (formerly Invitae), Labcorp).